The following is an entry in ClinVar:

ClinVar aggregate classification (germline): Uncertain significance (1 of 4 stars; one submission).

Submission:

Ambry Genetics
Classification: Uncertain significance. Last evaluated: 2026-05-23. Review status: criteria provided, single submitter. Criteria: Ambry Variant Classification Scheme 2023. Collection method: clinical testing. Allele origin: germline.
Comment: The p.Y161F variant (also known as c.482A>T), located in coding exon 4 of the RINT1 gene, results from an A to T substitution at nucleotide position 482. The tyrosine at codon 161 is replaced by phenylalanine, an amino acid with highly similar properties. This amino acid position is conserved. In addition, the in silico prediction for this alteration is inconclusive. Based on the available evidence, the clinical significance of this variant remains unclear.

NM_021930.6(RINT1):c.482A>T (p.Tyr161Phe)

Gene: RINT1 (RAD50 interactor 1; plus strand). Cytogenetic location: 7q22.3.
Variant type: single nucleotide variant.
Coding change: c.482A>T on transcript NM_021930.6 (MANE Select); coding-DNA position 482, A replaced by T.
Protein change: p.Tyr161Phe; replaces tyrosine 161 with phenylalanine.
Molecular consequence: missense variant. On other transcripts: 5 prime UTR variant (3), non-coding transcript variant (1).
Genome position (GRCh38, 1-based): chr7:105,542,616, A>T. VCF-style: chr7-105542616-A-T. GRCh37 (hg19) VCF-style: chr7-105183063-A-T.
Other names: c.248A>T, p.Tyr83Phe (NM_001346599.2); c.-538A>T (NM_001346600.2); c.-441A>T (NM_001346601.2); c.-61A>T (NM_001346603.2); short protein forms Y161F, Y83F.
Identifiers: ClinVar variation 4863339 (VCV004863339.1).
Genomic context (GRCh38, chr7:105,542,616, plus strand): 5'-GGATGGACGATCTTGGAACCATGATTAGCCAGATTGAAGAGATCGAACGTCATCTTGCTT[A>T]CCTTAAATGGATTTCACAAATTGAAGAACTAAGGTAAAATGGGCCTCTTTGTTCTCACAA-3'
Protein context (NP_068749.3, residues 151-171): QIEEIERHLA[Tyr161Phe]LKWISQIEEL